The following is an entry in ClinVar:

NM_004281.4(BAG3):c.1300G>A (p.Gly434Arg)

Gene: BAG3 (BAG cochaperone 3; plus strand). Cytogenetic location: 10q26.11.
Variant type: single nucleotide variant.
Coding change: c.1300G>A on transcript NM_004281.4 (MANE Select); coding-DNA position 1300, G replaced by A.
Protein change: p.Gly434Arg; replaces glycine 434 with arginine.
Molecular consequence: missense variant.
Genome position (GRCh38, 1-based): chr10:119,676,854, G>A. VCF-style: chr10-119676854-G-A. GRCh37 (hg19) VCF-style: chr10-121436366-G-A.
Other names: short protein forms G434R.
Identifiers: ClinVar variation 4078098 (VCV004078098.2).

ClinVar aggregate classification (germline): Uncertain significance. Review status: criteria provided, multiple submitters, no conflicts (2 of 4 stars). 2 submissions from 2 submitters: Uncertain significance (2). Last evaluated 2026-03-28.

Conditions:
Cardiovascular phenotype. Identifiers: MedGen CN230736.

gnomAD v4.1: 2 of 1,614,170 alleles (0.00012%); highest among the groups gnomAD compares: Non-Finnish European, 0.00017%; no homozygotes.

Submissions (2):

Ambry Genetics
Classification: Uncertain significance for Cardiovascular phenotype. Last evaluated: 2026-03-28. Review status: criteria provided, single submitter. Criteria: Ambry Variant Classification Scheme 2023. Collection method: clinical testing. Allele origin: germline.
Comment: The p.G434R variant (also known as c.1300G>A), located in coding exon 4 of the BAG3 gene, results from a G to A substitution at nucleotide position 1300. The glycine at codon 434 is replaced by arginine, an amino acid with dissimilar properties. This amino acid position is conserved. In addition, this alteration is predicted to be tolerated by in silico analysis. Based on the available evidence, the clinical significance of this variant remains unclear.

Revvity Omics, Revvity
Classification: Uncertain significance. Last evaluated: 2024-10-31. Review status: criteria provided, single submitter. Criteria: ACMG Guidelines, 2015. Collection method: clinical testing. Allele origin: germline.